The following is an entry in ClinVar:

NM_178452.6(DNAAF1):c.1576C>A (p.Leu526Ile)

Gene: DNAAF1 (dynein axonemal assembly factor 1; plus strand). Cytogenetic location: 16q24.1.
Variant type: single nucleotide variant.
Coding change: c.1576C>A on transcript NM_178452.6 (MANE Select); coding-DNA position 1576, C replaced by A.
Protein change: p.Leu526Ile; replaces leucine 526 with isoleucine.
Molecular consequence: missense variant.
Genome position (GRCh38, 1-based): chr16:84,172,307, C>A. VCF-style: chr16-84172307-C-A. GRCh37 (hg19) VCF-style: chr16-84205913-C-A.
Other names: c.868C>A, p.Leu290Ile (NM_001318756.1); short protein forms L290I, L526I.
Identifiers: ClinVar variation 3840659 (VCV003840659.1).

ClinVar aggregate classification (germline): Uncertain significance (1 of 4 stars; one submission).

Conditions:
Primary ciliary dyskinesia. Also called: Ciliary dyskinesia. Identifiers: Orphanet 244, MedGen C0008780, MONDO:0016575, HP:0012265.

gnomAD v4.1: 10 of 1,614,092 alleles (0.00062%); highest among the groups gnomAD compares: African/African-American, 0.0013%; no homozygotes.

Submission:

Ambry Genetics
Classification: Uncertain significance for Primary ciliary dyskinesia. Last evaluated: 2025-02-09. Review status: criteria provided, single submitter. Criteria: Ambry Variant Classification Scheme 2023. Collection method: clinical testing. Allele origin: germline.
Comment: The p.L526I variant (also known as c.1576C>A), located in coding exon 9 of the DNAAF1 gene, results from a C to A substitution at nucleotide position 1576. The leucine at codon 526 is replaced by isoleucine, an amino acid with highly similar properties. This amino acid position is conserved. In addition, this alteration is predicted to be tolerated by in silico analysis. Based on the available evidence, the clinical significance of this variant remains unclear.